The following is an entry in ClinVar:

ClinVar aggregate classification (germline): Benign (1 of 4 stars; one submission).

Allele frequency attached by ClinVar (database versions not stated): gnomAD 0.13225 and 0.13780; TOPMed 0.14040; 1000 Genomes Project 0.15974; 1000 Genomes Project 30x 0.16021.
gnomAD v4.1: 20,923 of 152,120 alleles (14%); highest among the groups gnomAD compares: Admixed American, 30%; 2,040 homozygotes.

Submission:

GeneDx
Classification: Benign. Last evaluated: 2018-06-18. Review status: criteria provided, single submitter. Criteria: GeneDx Variant Classification (06012015). Collection method: clinical testing. Allele origin: germline. Affected: yes.
Comment: This variant is considered likely benign or benign based on one or more of the following criteria: it is a conservative change, it occurs at a poorly conserved position in the protein, it is predicted to be benign by multiple in silico algorithms, and/or has population frequency not consistent with disease.

NM_198904.4(GABRG2):c.770-230A>T

Gene: GABRG2 (gamma-aminobutyric acid type A receptor subunit gamma2; plus strand). Cytogenetic location: 5q34.
Variant type: single nucleotide variant.
Coding change: c.770-230A>T on transcript NM_198904.4 (MANE Select); 230 bases into the intron before coding-DNA position 770, A replaced by T.
Molecular consequence: intron variant.
Genome position (GRCh38, 1-based): chr5:162,141,934, A>T. VCF-style: chr5-162141934-A-T. GRCh37 (hg19) VCF-style: chr5-161568940-A-T.
Other names: c.770-230A>T (NM_000816.3, NM_001375340.1); c.485-230A>T (NM_001375349.1); c.890-230A>T (NM_001375343.1, NM_198903.2); c.809-230A>T (NM_001375344.1); c.770-233A>T (NM_001375341.1, NM_001375342.1); c.350-230A>T (NM_001375350.1, NM_001375348.1); c.761-230A>T (NM_001375339.1); c.704-230A>T (NM_001375346.1, NM_001375345.1); and 1 more.
Identifiers: ClinVar variation 681745 (VCV000681745.1), dbSNP rs2272600, ClinGen allele CA16247307.